The following is an entry in ClinVar:

ClinVar aggregate classification (germline): Uncertain significance (1 of 4 stars; one submission).

Conditions:
Atrial septal defect 6 (ASD6). Identifiers: Orphanet 1478, MedGen C2751315, MONDO:0013123, OMIM 613087.

Allele frequency attached by ClinVar (database versions not stated): gnomAD exomes below 0.00001.
gnomAD v4.1: 2 of 1,614,104 alleles (0.00012%); highest among the groups gnomAD compares: Non-Finnish European, 0.00017%; no homozygotes.

Submission:

Molecular Genetics, Royal Melbourne Hospital
Classification: Uncertain significance for Atrial septal defect 6. Last evaluated: 2022-04-22. Review status: criteria provided, single submitter. Criteria: ACMG Guidelines, 2015. Collection method: clinical testing. Allele origin: germline.
Comment: This sequence change creates a premature termination codon at position 472 in exon 12 (of 21) of TLL1, p.(Gln472*). It is expected to result in nonsense-mediated decay, however loss of function as a mechanism of disease has not been fully established for this gene. Only one loss of function splice variant and a null mouse model have been reported (PMID: 31570783,10331975). The variant is absent in a large population cohort (gnomAD v2.1), and has not been reported in the relevant medical literature and databases. Based on the classification scheme RMH ACMG Guidelines v1.2.1, this variant is classified as a VARIANT of UNCERTAIN SIGNIFICANCE. Following criteria are met: PVS1_Moderate, PM2.

Literature cited by the submitters: PubMed 10331975; PubMed 31570783.

NM_012464.5(TLL1):c.1414C>T (p.Gln472Ter)

Genes: TLL1 (tolloid like 1; plus strand), LOC126807212 (BRD4-independent group 4 enhancer GRCh37_chr4:166963784-166964983; plus strand). Cytogenetic location: 4q32.3.
Variant type: single nucleotide variant.
Coding change: c.1414C>T on transcript NM_012464.5 (MANE Select); coding-DNA position 1414, C replaced by T.
Protein change: p.Gln472Ter; replaces glutamine 472 with a stop codon.
Molecular consequence: nonsense.
Genome position (GRCh38, 1-based): chr4:166,043,309, C>T. VCF-style: chr4-166043309-C-T. GRCh37 (hg19) VCF-style: chr4-166964461-C-T.
Other names: short protein forms Q472*.
Identifiers: ClinVar variation 1678575 (VCV001678575.2), dbSNP rs746995698, ClinGen allele CA109775550.